The following is an entry in ClinVar:

ClinVar aggregate classification (germline): Likely benign (1 of 4 stars; one submission).

Allele frequency attached by ClinVar (database versions not stated): gnomAD 0.00001; TOPMed 0.00005; gnomAD exomes 0.00010; ExAC 0.00012.
gnomAD v4.1: 32 of 1,613,940 alleles (0.002%); highest among the groups gnomAD compares: Admixed American, 0.043%; no homozygotes.

Submission:

GeneDx
Classification: Likely benign. Last evaluated: 2021-05-04. Review status: criteria provided, single submitter. Criteria: GeneDx Variant Classification Process June 2021. Collection method: clinical testing. Allele origin: germline. Affected: yes.
Comment: In silico analysis, which includes splice predictors and evolutionary conservation, supports that this variant does not alter protein structure/function; Has not been previously published as pathogenic or benign to our knowledge

NM_002160.4(TNC):c.4944C>T (p.Asp1648=)

Gene: TNC (tenascin C; minus strand). Cytogenetic location: 9q33.1.
Variant type: single nucleotide variant.
Coding change: c.4944C>T on transcript NM_002160.4 (MANE Select); coding-DNA position 4944, C replaced by T.
Protein change: p.Asp1648=; no amino-acid change (aspartic acid 1648 retained).
Molecular consequence: synonymous variant.
Genome position (GRCh38, 1-based): chr9:115,046,591, G>A on the plus strand (C>T on the coding strand, the complement: TNC is on the minus strand). VCF-style: chr9-115046591-G-A. GRCh37 (hg19) VCF-style: chr9-117808870-G-A.
Identifiers: ClinVar variation 1315760 (VCV001315760.2), dbSNP rs775973334, ClinGen allele CA5207783.